The following is an entry in ClinVar:

NM_005378.6(MYCN):c.1295C>T (p.Ser432Phe)

Gene: MYCN (MYCN proto-oncogene, bHLH transcription factor; plus strand). Cytogenetic location: 2p24.3.
Variant type: single nucleotide variant.
Coding change: c.1295C>T on transcript NM_005378.6 (MANE Select); coding-DNA position 1295, C replaced by T.
Protein change: p.Ser432Phe; replaces serine 432 with phenylalanine.
Molecular consequence: missense variant. On other transcripts: 3 prime UTR variant (1).
Genome position (GRCh38, 1-based): chr2:15,945,997, C>T. VCF-style: chr2-15945997-C-T. GRCh37 (hg19) VCF-style: chr2-16086119-C-T.
Other names: c.1295C>T, p.Ser432Phe (NM_001293228.2); c.662C>T, p.Ser221Phe (NM_001293231.2); c.*1230C>T (NM_001293233.2); short protein forms S221F, S432F.
Identifiers: ClinVar variation 1311582 (VCV001311582.2), dbSNP rs1337733039, ClinGen allele CA345932701.

ClinVar aggregate classification (germline): Uncertain significance (1 of 4 stars; one submission).

gnomAD v4.1: 2 of 1,614,202 alleles (0.00012%); highest among the groups gnomAD compares: Non-Finnish European, 0.00017%; no homozygotes.

Submission:

GeneDx
Classification: Uncertain significance. Last evaluated: 2019-12-30. Review status: criteria provided, single submitter. Criteria: GeneDx Variant Classification Process June 2021. Collection method: clinical testing. Allele origin: germline. Affected: yes.
Comment: Not observed in large population cohorts (Lek et al., 2016); In silico analysis, which includes protein predictors and evolutionary conservation, supports a deleterious effect; Has not been previously published as pathogenic or benign to our knowledge